The following is an entry in ClinVar:

NM_004473.4(FOXE1):c.877G>T (p.Gly293Cys)

Gene: FOXE1 (forkhead box E1; plus strand). Cytogenetic location: 9q22.33.
Variant type: single nucleotide variant.
Coding change: c.877G>T on transcript NM_004473.4 (MANE Select); coding-DNA position 877, G replaced by T.
Protein change: p.Gly293Cys; replaces glycine 293 with cysteine.
Molecular consequence: missense variant.
Genome position (GRCh38, 1-based): chr9:97,854,791, G>T. VCF-style: chr9-97854791-G-T. GRCh37 (hg19) VCF-style: chr9-100617073-G-T.
Other names: short protein forms G293C.
Identifiers: ClinVar variation 4982890 (VCV004982890.1).

ClinVar aggregate classification (germline): Uncertain significance (1 of 4 stars; one submission).

Conditions:
FOXE1-related disorder. Also called: FOXE1-related condition.

Submission:

PreventionGenetics, part of Exact Sciences
Classification: Uncertain significance for FOXE1-related condition. Last evaluated: 2025-05-28. Review status: criteria provided, single submitter. Criteria: ACMG Guidelines, 2015. Collection method: clinical testing. Allele origin: germline.
Comment: The FOXE1 c.877G>T variant is predicted to result in the amino acid substitution p.Gly293Cys. To our knowledge, this variant has not been reported in the literature. This variant is reported in 0.018% of alleles in individuals of African descent in gnomAD. At this time, the clinical significance of this variant is uncertain due to the absence of conclusive functional and genetic evidence.